The following is an entry in ClinVar:

NM_005518.4(HMGCS2):c.850+2T>C

Gene: HMGCS2 (3-hydroxy-3-methylglutaryl-CoA synthase 2; minus strand). Cytogenetic location: 1p12.
Variant type: single nucleotide variant.
Coding change: c.850+2T>C on transcript NM_005518.4 (MANE Select); the canonical splice donor site of the intron after coding-DNA position 850, T replaced by C.
Molecular consequence: splice donor variant.
Genome position (GRCh38, 1-based): chr1:119,759,116, A>G on the plus strand (T>C on the coding strand, the complement: HMGCS2 is on the minus strand). VCF-style: chr1-119759116-A-G. GRCh37 (hg19) VCF-style: chr1-120301739-A-G.
Other names: c.724+2T>C (NM_001166107.1).
Identifiers: ClinVar variation 644135 (VCV000644135.9), dbSNP rs1571037298, ClinGen allele CA341861671.

ClinVar aggregate classification (germline): Pathogenic (1 of 4 stars; one submission).

Conditions:
3-hydroxy-3-methylglutaryl-CoA synthase deficiency (HMGCS2D). Also called: HMGCS2 DEFICIENCY; MITOCHONDRIAL HMG-CoA SYNTHASE DEFICIENCY; HMG-CoA synthase-2 deficiency. Identifiers: Orphanet 35701, MedGen C2751532, MONDO:0011614, OMIM 605911.

Submission:

Labcorp Genetics (formerly Invitae), Labcorp
Classification: Pathogenic for 3-hydroxy-3-methylglutaryl-CoA synthase deficiency. Last evaluated: 2024-02-23. Review status: criteria provided, single submitter. Criteria: Invitae Variant Classification Sherloc (09022015). Collection method: clinical testing. Allele origin: germline.
Comment: This sequence change affects a donor splice site in intron 4 of the HMGCS2 gene. It is expected to disrupt RNA splicing. Variants that disrupt the donor or acceptor splice site typically lead to a loss of protein function (PMID: 16199547), and loss-of-function variants in HMGCS2 are known to be pathogenic (PMID: 20346956, 23751782, 25511235). This variant is not present in population databases (gnomAD no frequency). Disruption of this splice site has been observed in individual(s) with clinical features of HMG-CoA synthase-2 deficiency (Invitae). In at least one individual the data is consistent with being in trans (on the opposite chromosome) from a pathogenic variant. ClinVar contains an entry for this variant (Variation ID: 644135). Algorithms developed to predict the effect of sequence changes on RNA splicing suggest that this variant may disrupt the consensus splice site. For these reasons, this variant has been classified as Pathogenic.

Literature cited by the submitters: PubMed 16199547; PubMed 20346956; PubMed 23751782; PubMed 25511235.